The following is an entry in ClinVar:

NM_002471.4(MYH6):c.1070T>A (p.Ile357Asn)

Gene: MYH6 (myosin heavy chain 6; minus strand). Cytogenetic location: 14q11.2.
Variant type: single nucleotide variant.
Coding change: c.1070T>A on transcript NM_002471.4 (MANE Select); coding-DNA position 1070, T replaced by A.
Protein change: p.Ile357Asn; replaces isoleucine 357 with asparagine.
Molecular consequence: missense variant.
Genome position (GRCh38, 1-based): chr14:23,402,535, A>T on the plus strand (T>A on the coding strand, the complement: MYH6 is on the minus strand). VCF-style: chr14-23402535-A-T. GRCh37 (hg19) VCF-style: chr14-23871744-A-T.
Other names: short protein forms I357N.
Identifiers: ClinVar variation 3876432 (VCV003876432.1).

ClinVar aggregate classification (germline): Uncertain significance (1 of 4 stars; one submission).

Conditions:
Cardiovascular phenotype. Identifiers: MedGen CN230736.

Submission:

Ambry Genetics
Classification: Uncertain significance for Cardiovascular phenotype. Last evaluated: 2024-12-14. Review status: criteria provided, single submitter. Criteria: Ambry Variant Classification Scheme 2023. Collection method: clinical testing. Allele origin: germline.
Comment: The p.I357N variant (also known as c.1070T>A), located in coding exon 10 of the MYH6 gene, results from a T to A substitution at nucleotide position 1070. The isoleucine at codon 357 is replaced by asparagine, an amino acid with dissimilar properties. This amino acid position is conserved. In addition, the in silico prediction for this alteration is inconclusive. Based on the available evidence, the clinical significance of this variant remains unclear.